The following is an entry in ClinVar:

NM_001134363.3(RBM20):c.2759T>G (p.Phe920Cys)

Gene: RBM20 (RNA binding motif protein 20; plus strand). Cytogenetic location: 10q25.2.
Variant type: single nucleotide variant.
Coding change: c.2759T>G on transcript NM_001134363.3 (MANE Select); coding-DNA position 2759, T replaced by G.
Protein change: p.Phe920Cys; replaces phenylalanine 920 with cysteine.
Molecular consequence: missense variant.
Genome position (GRCh38, 1-based): chr10:110,821,378, T>G. VCF-style: chr10-110821378-T-G. GRCh37 (hg19) VCF-style: chr10-112581136-T-G.
Other names: short protein forms F920C.
Identifiers: ClinVar variation 658341 (VCV000658341.17), dbSNP rs112880805, ClinGen allele CA213229374.

ClinVar aggregate classification (germline): Uncertain significance. Review status: criteria provided, multiple submitters, no conflicts (2 of 4 stars). 3 submissions from 3 submitters: Uncertain significance (3). Last evaluated 2026-04-09.

Conditions:
Cardiovascular phenotype. Identifiers: MedGen CN230736.
Dilated cardiomyopathy 1DD (CMD1DD). Identifiers: Orphanet 154, MedGen C2750995, MONDO:0013168, OMIM 613172.

Allele frequency attached by ClinVar (database versions not stated): gnomAD exomes below 0.00001; TOPMed below 0.00001; gnomAD 0.00001 and 0.00003.

Submissions (3):

Ambry Genetics
Classification: Uncertain significance for Cardiovascular phenotype. Last evaluated: 2026-04-09. Review status: criteria provided, single submitter. Criteria: Ambry Variant Classification Scheme 2023. Collection method: clinical testing. Allele origin: germline.

Labcorp Genetics (formerly Invitae), Labcorp
Classification: Uncertain significance for Dilated cardiomyopathy 1DD. Last evaluated: 2025-05-19. Review status: criteria provided, single submitter. Criteria: Invitae Variant Classification Sherloc (09022015). Collection method: clinical testing. Allele origin: germline.
Comment: This sequence change replaces phenylalanine, which is neutral and non-polar, with cysteine, which is neutral and slightly polar, at codon 920 of the RBM20 protein (p.Phe920Cys). This variant is not present in population databases (gnomAD no frequency). This variant has not been reported in the literature in individuals affected with RBM20-related conditions. ClinVar contains an entry for this variant (Variation ID: 658341). Invitae Evidence Modeling of protein sequence and biophysical properties (such as structural, functional, and spatial information, amino acid conservation, physicochemical variation, residue mobility, and thermodynamic stability) indicates that this missense variant is not expected to disrupt RBM20 protein function with a negative predictive value of 95%. In summary, the available evidence is currently insufficient to determine the role of this variant in disease. Therefore, it has been classified as a Variant of Uncertain Significance.

GeneDx
Classification: Uncertain significance. Last evaluated: 2021-05-19. Review status: criteria provided, single submitter. Criteria: GeneDx Variant Classification Process June 2021. Collection method: clinical testing. Allele origin: germline. Affected: yes.
Comment: Has not been previously published as pathogenic or benign to our knowledge; Reported in ClinVar as a variant of uncertain significance (ClinVar Variant ID# 658341; Landrum et al., 2016); Not observed at significant frequency in large population cohorts (Lek et al., 2016); In silico analysis supports that this missense variant does not alter protein structure/function